The following is an entry in ClinVar:

NM_000141.5(FGFR2):c.286G>T (p.Gly96Cys)

Gene: FGFR2 (fibroblast growth factor receptor 2; minus strand). Cytogenetic location: 10q26.13.
Variant type: single nucleotide variant.
Coding change: c.286G>T on transcript NM_000141.5 (MANE Select); coding-DNA position 286, G replaced by T.
Protein change: p.Gly96Cys; replaces glycine 96 with cysteine.
Molecular consequence: missense variant. On other transcripts: intron variant (9).
Genome position (GRCh38, 1-based): chr10:121,565,528, C>A on the plus strand (G>T on the coding strand, the complement: FGFR2 is on the minus strand). VCF-style: chr10-121565528-C-A. GRCh37 (hg19) VCF-style: chr10-123325042-C-A.
Other names: NC_000010.10:g.123325042C>A; c.286G>T, p.Gly96Cys (NM_001144913.1, NM_001144914.1, NM_001144917.2 and 3 more transcripts); c.110-14069G>T (NM_001144918.2, NM_001441091.1, NM_001441090.1 and 1 more transcripts); c.110-949G>T (NM_001441089.1, NM_023029.3, NM_001441088.1 and 2 more transcripts); short protein forms G96C.
Identifiers: ClinVar variation 4076649 (VCV004076649.2).

ClinVar aggregate classification (germline): Uncertain significance (1 of 4 stars; one submission).

Submissions (2):

GeneDx
Classification: Uncertain significance. Last evaluated: 2025-02-23. Review status: criteria provided, single submitter. Criteria: GeneDx Variant Classification Process June 2021. Collection method: clinical testing. Allele origin: germline. Affected: yes.
Comment: Not observed at significant frequency in large population cohorts (gnomAD); In silico analysis supports that this missense variant has a deleterious effect on protein structure/function; Has not been previously published as pathogenic or benign to our knowledge

Dr. Peter K. Rogan Lab, Western University
No classification provided (evidence only). Condition: Ovarian serous cystadenocarcinoma. Review status: no classification provided. Collection method: in vitro. Allele origin: not applicable. Functional consequence: retained intron. Not counted in ClinVar's aggregate classification.